The following is an entry in ClinVar:

NM_015509.4(NECAP1):c.727A>G (p.Thr243Ala)

Gene: NECAP1 (NECAP endocytosis associated 1; plus strand). Cytogenetic location: 12p13.31.
Variant type: single nucleotide variant.
Coding change: c.727A>G on transcript NM_015509.4 (MANE Select); coding-DNA position 727, A replaced by G.
Protein change: p.Thr243Ala; replaces threonine 243 with alanine.
Molecular consequence: missense variant. On other transcripts: non-coding transcript variant (1).
Genome position (GRCh38, 1-based): chr12:8,095,651, A>G. VCF-style: chr12-8095651-A-G. GRCh37 (hg19) VCF-style: chr12-8248247-A-G.
Other names: short protein forms T243A.
Identifiers: ClinVar variation 660441 (VCV000660441.9), dbSNP rs752197558, ClinGen allele CA6432348.

ClinVar aggregate classification (germline): Uncertain significance (1 of 4 stars; one submission).

Conditions:
Developmental and epileptic encephalopathy, 21 (DEE21). Also called: Early infantile epileptic encephalopathy 21. Identifiers: Orphanet 442835, MedGen C4014430, MONDO:0014360, OMIM 615833.

Allele frequency attached by ClinVar (database versions not stated): gnomAD exomes below 0.00001 and 0.00001; TOPMed below 0.00001; gnomAD 0.00001; ExAC 0.00002.
gnomAD v4.1: 4 of 1,613,908 alleles (0.00025%); highest among the groups gnomAD compares: African/African-American, 0.0013%; no homozygotes.

Submission:

Labcorp Genetics (formerly Invitae), Labcorp
Classification: Uncertain significance for Developmental and epileptic encephalopathy, 21. Last evaluated: 2022-02-05. Review status: criteria provided, single submitter. Criteria: Invitae Variant Classification Sherloc (09022015). Collection method: clinical testing. Allele origin: germline.
Comment: This sequence change replaces threonine, which is neutral and polar, with alanine, which is neutral and non-polar, at codon 243 of the NECAP1 protein (p.Thr243Ala). In summary, the available evidence is currently insufficient to determine the role of this variant in disease. Therefore, it has been classified as a Variant of Uncertain Significance. Algorithms developed to predict the effect of missense changes on protein structure and function output the following: SIFT: "Tolerated"; PolyPhen-2: "Benign"; Align-GVGD: "Class C0". The alanine amino acid residue is found in multiple mammalian species, which suggests that this missense change does not adversely affect protein function. ClinVar contains an entry for this variant (Variation ID: 660441). This variant has not been reported in the literature in individuals affected with NECAP1-related conditions. This variant is present in population databases (rs752197558, gnomAD 0.002%).